The following is an entry in ClinVar:

ClinVar aggregate classification (germline): Uncertain significance. Review status: criteria provided, multiple submitters, no conflicts (2 of 4 stars). 2 submissions from 2 submitters: Uncertain significance (2). Last evaluated 2020-03-25.

Conditions:
MELAS syndrome (MELAS). Also called: Juvenile myopathy, encephalopathy, lactic acidosis, stroke. Identifiers: Orphanet 550, MedGen C0162671, MONDO:0010789, OMIM 540000.

Submissions (2):

Centre for Mendelian Genomics, University Medical Centre Ljubljana
Classification: Uncertain significance. Last evaluated: 2020-03-25. Review status: criteria provided, single submitter. Criteria: ACMG Guidelines, 2015. Collection method: clinical testing. Allele origin: unknown. Affected: yes.
Comment: This variant was classified as: Uncertain significance. The available evidence on this variant's pathogenicity is insufficient or conflicting. The following ACMG criteria were applied in classifying this variant: PM2.

Wong Mito Lab, Molecular and Human Genetics, Baylor College of Medicine
Classification: Uncertain significance for MELAS syndrome. Last evaluated: 2019-07-12. Review status: criteria provided, single submitter. Criteria: Modified ACMG Guidelines (Unpublished). Collection method: clinical testing. Allele origin: germline.
Comment: The NC_012920.1:m.5885T>C variant in MT-TY gene is interpreted to be a Unknown Significance variant based on the modified ACMG guidelines (unpublished). This variant meets the following evidence codes reported in the guidelines: PP3, PP7

Literature cited by the submitters: PubMed 31965079 (cited by Wong Mito Lab, Molecular and Human Genetics, Baylor College of Medicine).

NC_012920.1(MT-TY):m.5885T>C

Gene: MT-TY (mitochondrially encoded tRNA tyrosine; minus strand).
Variant type: single nucleotide variant.
Genome position: chrM-5885-T-C.
Identifiers: ClinVar variation 690024 (VCV000690024.4), dbSNP rs1603220164, ClinGen allele CA913180771.